The following is an entry in ClinVar:

NM_000548.5(TSC2):c.225+5G>T

Gene: TSC2 (TSC complex subunit 2; plus strand). Cytogenetic location: 16p13.3.
Variant type: single nucleotide variant.
Coding change: c.225+5G>T on transcript NM_000548.5 (MANE Select); 5 bases into the intron after coding-DNA position 225, G replaced by T.
Molecular consequence: intron variant.
Genome position (GRCh38, 1-based): chr16:2,050,491, G>T. VCF-style: chr16-2050491-G-T. GRCh37 (hg19) VCF-style: chr16-2100492-G-T.
Other names: c.225+5G>T (NM_000548.4, NM_001114382.3, NM_021055.3 and 5 more transcripts); c.-2+5G>T (NM_001318831.2); c.78+5G>T (NM_001318829.2); c.258+5G>T (NM_001318832.2).
Identifiers: ClinVar variation 406046 (VCV000406046.19), dbSNP rs778371172, ClinGen allele CA037940.

ClinVar aggregate classification (germline): Likely benign. Review status: criteria provided, multiple submitters, no conflicts (2 of 4 stars). 5 submissions from 5 submitters: Likely benign (5). Last evaluated 2025-12-15.

Conditions:
TSC2-related disorder. Also called: TSC2-related condition; TSC2-Related Disorders.
Hereditary cancer-predisposing syndrome. Also called: Neoplastic Syndromes, Hereditary; Tumor predisposition; Hereditary Cancer Syndrome; Hereditary neoplastic syndrome. Identifiers: Orphanet 140162, MedGen C0027672, MeSH D009386, MONDO:0015356.
Tuberous sclerosis 2 (TSC2). Identifiers: Orphanet 805, MedGen C1860707, MONDO:0013199, OMIM 613254.

Allele frequency attached by ClinVar (database versions not stated): gnomAD exomes below 0.00001 and 0.00001; ExAC 0.00002; TOPMed 0.00002; gnomAD 0.00003 and 0.00004.
gnomAD v4.1: 8 of 1,612,768 alleles (0.0005%); highest among the groups gnomAD compares: African/African-American, 0.011%; no homozygotes.

Submissions (5):

Labcorp Genetics (formerly Invitae), Labcorp
Classification: Likely benign for Tuberous sclerosis 2. Last evaluated: 2025-12-15. Review status: criteria provided, single submitter. Criteria: Invitae Variant Classification Sherloc (09022015). Collection method: clinical testing. Allele origin: germline.

PreventionGenetics, part of Exact Sciences
Classification: Likely benign for TSC2-related condition. Last evaluated: 2025-07-13. Review status: criteria provided, single submitter. Criteria: ACMG Guidelines, 2015. Collection method: clinical testing. Allele origin: germline.
Comment: This variant is classified as likely benign based on ACMG/AMP sequence variant interpretation guidelines (Richards et al. 2015 PMID: 25741868, with internal and published modifications).

Myriad Genetics, Inc.
Classification: Likely benign for Tuberous sclerosis 2. Last evaluated: 2024-08-12. Review status: criteria provided, single submitter. Criteria: Myriad Autosomal Dominant, Autosomal Recessive and X-Linked Classification Criteria (2023). Collection method: clinical testing. Allele origin: unknown.
Comment: This variant is considered likely benign. This variant is intronic and is not expected to impact mRNA splicing. This variant has been observed at a population frequency that is significantly greater than expected given the associated disease prevalence and penetrance.

Ambry Genetics
Classification: Likely benign for Hereditary cancer-predisposing syndrome. Last evaluated: 2024-01-16. Review status: criteria provided, single submitter. Criteria: Ambry Variant Classification Scheme 2023. Collection method: clinical testing. Allele origin: germline.

Genome-Nilou Lab
Classification: Likely benign for Tuberous sclerosis 2. Last evaluated: 2021-11-07. Review status: criteria provided, single submitter. Criteria: ACMG Guidelines, 2015. Collection method: clinical testing. Allele origin: germline. Affected: no.